The following is an entry in ClinVar:

NM_000718.4(CACNA1B):c.1346C>T (p.Ala449Val)

Gene: CACNA1B (calcium voltage-gated channel subunit alpha1 B; plus strand). Cytogenetic location: 9q34.3.
Variant type: single nucleotide variant.
Coding change: c.1346C>T on transcript NM_000718.4 (MANE Select); coding-DNA position 1346, C replaced by T.
Protein change: p.Ala449Val; replaces alanine 449 with valine.
Molecular consequence: missense variant.
Genome position (GRCh38, 1-based): chr9:137,971,395, C>T. VCF-style: chr9-137971395-C-T. GRCh37 (hg19) VCF-style: chr9-140865847-C-T.
Other names: c.1346C>T, p.Ala449Val (NM_001243812.2); c.1346C>T (NM_000718.3); short protein forms A449V.
Identifiers: ClinVar variation 1997668 (VCV001997668.2), dbSNP rs1405093647, ClinGen allele CA375805709.

ClinVar aggregate classification (germline): Uncertain significance. Review status: criteria provided, multiple submitters, no conflicts (2 of 4 stars). 2 submissions from 2 submitters: Uncertain significance (2). Last evaluated 2024-01-09.

Allele frequency attached by ClinVar (database versions not stated): gnomAD exomes below 0.00001; gnomAD 0.00001; TOPMed 0.00001.
gnomAD v4.1: 8 of 1,611,178 alleles (0.0005%); highest among the groups gnomAD compares: African/African-American, 0.0094%; no homozygotes.

Submissions (2):

Ambry Genetics
Classification: Uncertain significance. Last evaluated: 2024-01-09. Review status: criteria provided, single submitter. Criteria: Ambry Variant Classification Scheme 2023. Collection method: clinical testing. Allele origin: germline.

Labcorp Genetics (formerly Invitae), Labcorp
Classification: Uncertain significance. Last evaluated: 2022-03-29. Review status: criteria provided, single submitter. Criteria: Invitae Variant Classification Sherloc (09022015). Collection method: clinical testing. Allele origin: germline.
Comment: This sequence change replaces alanine, which is neutral and non-polar, with valine, which is neutral and non-polar, at codon 449 of the CACNA1B protein (p.Ala449Val). The frequency data for this variant in the population databases is considered unreliable, as metrics indicate poor data quality at this position in the gnomAD database. This variant has not been reported in the literature in individuals affected with CACNA1B-related conditions. Advanced modeling of protein sequence and biophysical properties (such as structural, functional, and spatial information, amino acid conservation, physicochemical variation, residue mobility, and thermodynamic stability) performed at Invitae indicates that this missense variant is not expected to disrupt CACNA1B protein function. In summary, the available evidence is currently insufficient to determine the role of this variant in disease. Therefore, it has been classified as a Variant of Uncertain Significance.